The following is an entry in ClinVar:

ClinVar aggregate classification (germline): Uncertain significance. Review status: criteria provided, multiple submitters, no conflicts (2 of 4 stars). 4 submissions from 4 submitters: Uncertain significance (4). Last evaluated 2025-09-04.

Conditions:
Familial cancer of breast. Also called: hereditary breast carcinoma; BREAST CANCER, FAMILIAL; Hereditary breast cancer. Identifiers: Orphanet 227535, MedGen C0346153, MONDO:0016419, OMIM 114480. Disease mechanism: loss of function.
Hereditary cancer-predisposing syndrome. Also called: Hereditary neoplastic syndrome; Tumor predisposition; Hereditary Cancer Syndrome; Neoplastic Syndromes, Hereditary. Identifiers: Orphanet 140162, MedGen C0027672, MeSH D009386, MONDO:0015356.
Fanconi anemia complementation group J. Also called: BRIP1-Related Fanconi Anemia. Identifiers: Orphanet 84, MedGen C1836860, MONDO:0012187, OMIM 609054.

Allele frequency attached by ClinVar (database versions not stated): TOPMed below 0.00001; gnomAD 0.00001.
gnomAD v4.1: 2 of 1,613,964 alleles (0.00012%); highest among the groups gnomAD compares: African/African-American, 0.0027%; no homozygotes.

Submissions (4):

Labcorp Genetics (formerly Invitae), Labcorp
Classification: Uncertain significance for Familial cancer of breast; Fanconi anemia complementation group J. Last evaluated: 2025-09-04. Review status: criteria provided, single submitter. Criteria: Invitae Variant Classification Sherloc (09022015). Collection method: clinical testing. Allele origin: germline.
Comment: This sequence change replaces tyrosine, which is neutral and polar, with histidine, which is basic and polar, at codon 353 of the BRIP1 protein (p.Tyr353His). This variant is not present in population databases (gnomAD no frequency). This variant has not been reported in the literature in individuals affected with BRIP1-related conditions. ClinVar contains an entry for this variant (Variation ID: 579071). Invitae Evidence Modeling of protein sequence and biophysical properties (such as structural, functional, and spatial information, amino acid conservation, physicochemical variation, residue mobility, and thermodynamic stability) has been performed for this missense variant. However, the output from this modeling did not meet the statistical confidence thresholds required to predict the impact of this variant on BRIP1 protein function. In summary, the available evidence is currently insufficient to determine the role of this variant in disease. Therefore, it has been classified as a Variant of Uncertain Significance.

GeneDx
Classification: Uncertain significance. Last evaluated: 2024-11-18. Review status: criteria provided, single submitter. Criteria: GeneDx Variant Classification Process June 2021. Collection method: clinical testing. Allele origin: germline. Affected: yes.
Comment: Not observed at significant frequency in large population cohorts (gnomAD); In silico analysis supports that this missense variant has a deleterious effect on protein structure/function; Has not been previously published as pathogenic or benign to our knowledge

Ambry Genetics
Classification: Uncertain significance for Hereditary cancer-predisposing syndrome. Last evaluated: 2024-09-22. Review status: criteria provided, single submitter. Criteria: Ambry Variant Classification Scheme 2023. Collection method: clinical testing. Allele origin: germline.
Comment: The p.Y353H variant (also known as c.1057T>C), located in coding exon 7 of the BRIP1 gene, results from a T to C substitution at nucleotide position 1057. The tyrosine at codon 353 is replaced by histidine, an amino acid with similar properties. This amino acid position is well conserved in available vertebrate species. In addition, the in silico prediction for this alteration is inconclusive. Since supporting evidence is limited at this time, the clinical significance of this alteration remains unclear.

Baylor Genetics
Classification: Uncertain significance for Familial cancer of breast. Last evaluated: 2023-08-31. Review status: criteria provided, single submitter. Criteria: ACMG Guidelines, 2015. Collection method: clinical testing. Allele origin: unknown.

NM_032043.3(BRIP1):c.1057T>C (p.Tyr353His)

Gene: BRIP1 (BRCA1 interacting DNA helicase 1; minus strand). Cytogenetic location: 17q23.2.
Variant type: single nucleotide variant.
Coding change: c.1057T>C on transcript NM_032043.3 (MANE Select); coding-DNA position 1057, T replaced by C.
Protein change: p.Tyr353His; replaces tyrosine 353 with histidine.
Molecular consequence: missense variant.
Genome position (GRCh38, 1-based): chr17:61,801,336, A>G on the plus strand (T>C on the coding strand, the complement: BRIP1 is on the minus strand). VCF-style: chr17-61801336-A-G. GRCh37 (hg19) VCF-style: chr17-59878697-A-G.
Other names: short protein forms Y353H.
Identifiers: ClinVar variation 579071 (VCV000579071.17), dbSNP rs1567831780, ClinGen allele CA400484023.
Genomic context (GRCh38, chr17:61,801,336, plus strand): 5'-GAAGATAGTTGTAGGGACAAAATATGATGTCAGCATCTTGTATTAGTTCTCGGGCTGTGT[A>G]ATATGGACAGGCCTTTAGTTTCTTCCCCAGGCTGACAAGTTCTTCTATATCCCAGGCTTT-3'
Protein context (NP_114432.2, residues 343-363): LGKKLKACPY[Tyr353His]TARELIQDAD